The following is an entry in ClinVar:

ClinVar aggregate classification (germline): Conflicting classifications of pathogenicity. Review status: criteria provided, conflicting classifications (1 of 4 stars). 3 submissions from 3 submitters: Likely pathogenic (1); Uncertain significance (2). Last evaluated 2025-03-04.

Conditions:
Dilated cardiomyopathy 1O (CMD1O). Also called: CARDIOMYOPATHY, DILATED, WITH VENTRICULAR TACHYCARDIA. Identifiers: Orphanet 154, MedGen C1837839, MONDO:0012062, OMIM 608569.
Cardiovascular phenotype. Identifiers: MedGen CN230736.

Allele frequency attached by ClinVar (database versions not stated): gnomAD 0.00001.

Submissions (3):

Ambry Genetics
Classification: Uncertain significance for Cardiovascular phenotype. Last evaluated: 2025-03-04. Review status: criteria provided, single submitter. Criteria: Ambry Variant Classification Scheme 2023. Collection method: clinical testing. Allele origin: germline.
Comment: The c.3669+1G>C intronic variant results from a G to C substitution one nucleotide after coding exon 29 of the ABCC9 gene. This nucleotide position is highly conserved in available vertebrate species. In silico splice site analysis predicts that this alteration will weaken the native splice donor site. Alterations that disrupt the canonical splice site are expected to cause aberrant splicing, resulting in an abnormal protein or a transcript that is subject to nonsense-mediated mRNA decay. Although biallelic loss of function of ABCC9 has been associated with autosomal recessive ABCC9-related neurodevelopmental myopathy syndrome, haploinsufficiency of ABCC9 has not been established as a mechanism of disease for autosomal dominant ABCC9-related Cant&uacute; syndrome. Based on the supporting evidence, this variant is expected to be causative of autosomal recessive neurodevelopmental myopathy syndrome when present along with a second pathogenic variant on the other allele; however, its clinical significance for autosomal dominant Cant&uacute; syndrome is unclear.

Labcorp Genetics (formerly Invitae), Labcorp
Classification: Likely pathogenic for Dilated cardiomyopathy 1O. Last evaluated: 2024-10-01. Review status: criteria provided, single submitter. Criteria: Invitae Variant Classification Sherloc (09022015). Collection method: clinical testing. Allele origin: germline.
Comment: This sequence change affects a donor splice site in intron 29 of the ABCC9 gene. It is expected to disrupt RNA splicing. Variants that disrupt the donor or acceptor splice site typically lead to a loss of protein function (PMID: 16199547), and loss-of-function variants in ABCC9 are known to be pathogenic (PMID: 31575858, 38217872). This variant is not present in population databases (gnomAD no frequency). This variant has not been reported in the literature in individuals affected with ABCC9-related conditions. ClinVar contains an entry for this variant (Variation ID: 648683). Algorithms developed to predict the effect of sequence changes on RNA splicing suggest that this variant may disrupt the consensus splice site. In summary, the currently available evidence indicates that the variant is pathogenic, but additional data are needed to prove that conclusively. Therefore, this variant has been classified as Likely Pathogenic.

Women's Health and Genetics/Laboratory Corporation of America, LabCorp
Classification: Uncertain significance. Last evaluated: 2023-06-13. Review status: criteria provided, single submitter. Criteria: LabCorp Variant Classification Summary - May 2015. Collection method: clinical testing. Allele origin: germline.
Comment: Variant summary: ABCC9 c.3669+1G>C is located in a canonical splice-site and is predicted to affect mRNA splicing resulting in a significantly altered protein due to either exon skipping, shortening, or inclusion of intronic material. Several computational tools predict a significant impact on normal splicing: Four predict the variant abolishes a 5' splicing donor site. However, these predictions have yet to be confirmed by functional studies. At this time, there is not sufficient evidence to support loss-of-function as a known disease mechanism. The variant was absent in 251362 control chromosomes. The available data on variant occurrences in the general population are insufficient to allow any conclusion about variant significance. To our knowledge, no occurrence of c.3669+1G>C in individuals affected with ABCC9-related conditions and no experimental evidence demonstrating its impact on protein function have been reported. One clinical diagnostic laboratory has submitted clinical-significance assessments for this variant to ClinVar after 2014 and classified the variant as uncertain significance. Based on the evidence outlined above, the variant was classified as uncertain significance.

Literature cited by the submitters: PubMed 16199547 (cited by Labcorp Genetics (formerly Invitae), Labcorp); PubMed 31575858 (cited by Labcorp Genetics (formerly Invitae), Labcorp); PubMed 38217872 (cited by Labcorp Genetics (formerly Invitae), Labcorp).

NM_020297.4(ABCC9):c.3669+1G>C

Genes: ABCC9 (ATP binding cassette subfamily C member 9; minus strand), KCNJ8-AS1 (KCNJ8 antisense RNA 1; plus strand). Cytogenetic location: 12p12.1.
Variant type: single nucleotide variant.
Coding change: c.3669+1G>C on transcript NM_020297.4 (MANE Select); the canonical splice donor site of the intron after coding-DNA position 3669, G replaced by C.
Molecular consequence: splice donor variant.
Genome position (GRCh38, 1-based): chr12:21,828,957, C>G on the plus strand (G>C on the coding strand, the complement: ABCC9 is on the minus strand). VCF-style: chr12-21828957-C-G. GRCh37 (hg19) VCF-style: chr12-21981891-C-G.
Other names: c.3669+1G>C (NM_005691.2, NM_005691.4, NM_001377273.1); c.2802+1G>C (NM_001377274.1).
Identifiers: ClinVar variation 648683 (VCV000648683.9), dbSNP rs950805207, ClinGen allele CA233624668.
Genomic context (GRCh38, chr12:21,828,957, plus strand): 5'-CTCTTTGCAGCAGGCGTCTTCTCTATTTGGTTTCCATTTCGAAATCATGAAATGAACGTA[C>G]CGTCCTGACCTCCAGCCATCTGTTGGCAGCTGAGAGAAATAAGTAGGCAATGTTGTTTGT-3'